The following is an entry in ClinVar:

NM_006059.4(LAMC3):c.2858G>A (p.Gly953Asp)

Gene: LAMC3 (laminin subunit gamma 3; plus strand). Cytogenetic location: 9q34.12.
Variant type: single nucleotide variant.
Coding change: c.2858G>A on transcript NM_006059.4 (MANE Select); coding-DNA position 2858, G replaced by A.
Protein change: p.Gly953Asp; replaces glycine 953 with aspartic acid.
Molecular consequence: missense variant.
Genome position (GRCh38, 1-based): chr9:131,069,018, G>A. VCF-style: chr9-131069018-G-A. GRCh37 (hg19) VCF-style: chr9-133944405-G-A.
Other names: c.2858G>A (NM_006059.3); short protein forms G953D.
Identifiers: ClinVar variation 493495 (VCV000493495.47), dbSNP rs201474312, ClinGen allele CA5287593.

ClinVar aggregate classification (germline): Uncertain significance. Review status: criteria provided, multiple submitters, no conflicts (2 of 4 stars). 5 submissions from 5 submitters: Uncertain significance (5). Last evaluated 2025-04-15.

Conditions:
Inborn genetic diseases. Identifiers: MedGen C0950123, MeSH D030342.
Occipital pachygyria and polymicrogyria. Identifiers: Orphanet 280640, MedGen C3279875, MONDO:0013583, OMIM 614115.

Allele frequency attached by ClinVar (database versions not stated): gnomAD exomes 0.00003 and 0.00006; TOPMed 0.00006; ExAC 0.00007; gnomAD 0.00010; 1000 Genomes Project 30x 0.00016; 1000 Genomes Project 0.00020.

Submissions (5):

Ambry Genetics
Classification: Uncertain significance for Inborn genetic diseases. Last evaluated: 2025-04-15. Review status: criteria provided, single submitter. Criteria: Ambry Variant Classification Scheme 2023. Collection method: clinical testing. Allele origin: germline.

Fulgent Genetics
Classification: Uncertain significance for Occipital pachygyria and polymicrogyria. Last evaluated: 2024-05-03. Review status: criteria provided, single submitter. Criteria: ACMG Guidelines, 2015. Collection method: clinical testing. Allele origin: germline.

Labcorp Genetics (formerly Invitae), Labcorp
Classification: Uncertain significance. Last evaluated: 2022-08-16. Review status: criteria provided, single submitter. Criteria: Invitae Variant Classification Sherloc (09022015). Collection method: clinical testing. Allele origin: germline.
Comment: This sequence change replaces glycine, which is neutral and non-polar, with aspartic acid, which is acidic and polar, at codon 953 of the LAMC3 protein (p.Gly953Asp). This variant is present in population databases (rs201474312, gnomAD 0.09%). This variant has not been reported in the literature in individuals affected with LAMC3-related conditions. ClinVar contains an entry for this variant (Variation ID: 493495). Algorithms developed to predict the effect of missense changes on protein structure and function output the following: SIFT: "Tolerated"; PolyPhen-2: "Possibly Damaging"; Align-GVGD: "Class C0". The aspartic acid amino acid residue is found in multiple mammalian species, which suggests that this missense change does not adversely affect protein function. In summary, the available evidence is currently insufficient to determine the role of this variant in disease. Therefore, it has been classified as a Variant of Uncertain Significance.

CeGaT Center for Human Genetics Tuebingen
Classification: Uncertain significance. Last evaluated: 2017-10-01. Review status: criteria provided, single submitter. Criteria: CeGaT Center For Human Genetics Tuebingen Variant Classification Criteria Version 2. Collection method: clinical testing. Allele origin: germline. Affected: yes. Observed: 1 variant allele.

Breakthrough Genomics
Classification: Uncertain significance. Review status: criteria provided, single submitter. Criteria: ACMG Guidelines, 2015. Collection method: not provided. Allele origin: germline. Inheritance: Autosomal recessive inheritance. Affected: yes.